The following is an entry in ClinVar:

NM_000516.7(GNAS):c.30G>A (p.Glu10=)

Gene: GNAS (GNAS complex locus; plus strand). Cytogenetic location: 20q13.32.
Variant type: single nucleotide variant.
Coding change: c.30G>A on transcript NM_000516.7 (MANE Select); coding-DNA position 30, G replaced by A.
Protein change: p.Glu10=; no amino-acid change (glutamic acid 10 retained).
Molecular consequence: synonymous variant. On other transcripts: intron variant (8).
Genome position (GRCh38, 1-based): chr20:58,891,756, G>A. VCF-style: chr20-58891756-G-A. GRCh37 (hg19) VCF-style: chr20-57466811-G-A.
Other names: c.30G>A, p.Glu10= (NM_001077488.5, NM_001077489.4, NM_001309842.2 and 1 more transcripts); c.*43-3856G>A (NM_016592.5); c.44-3856G>A (NM_001410912.1); c.-38-3856G>A (NM_001309861.2); c.*1-3856G>A (NM_001077490.3); c.2069-3856G>A (NM_080425.4, NM_001410913.1); c.*159-3856G>A (NM_001309883.1); c.-39+2403G>A (NM_001309840.2).
Identifiers: ClinVar variation 3031269 (VCV003031269.2), dbSNP rs2516796247, ClinGen allele CA2653521797.
Genomic context (GRCh38, chr20:58,891,756, plus strand): 5'-CCGGCCGCGCCCCGCCGCCGCCGCCGCCGCCATGGGCTGCCTCGGGAACAGTAAGACCGA[G>A]GACCAGCGCAACGAGGAGAAGGCGCAGCGTGAGGCCAACAAAAAGATCGAGAAGCAGCTG-3'
Protein context (NP_000507.1, residues 1-20): MGCLGNSKT[Glu10=]DQRNEEKAQR

ClinVar aggregate classification (germline): Likely benign (0 of 4 stars; one submission).

Conditions:
GNAS-related disorder. Identifiers: MedGen CN380105.

gnomAD v4.1: 1 of 1,258,014 alleles (0.000079%); highest among the groups gnomAD compares: African/African-American, 0.0016%; no homozygotes.

Submission:

PreventionGenetics, part of Exact Sciences
Classification: Likely benign for GNAS-related condition. Last evaluated: 2021-01-25. Review status: no assertion criteria provided. Collection method: clinical testing. Allele origin: germline.
Comment: This variant is classified as likely benign based on ACMG/AMP sequence variant interpretation guidelines (Richards et al. 2015 PMID: 25741868, with internal and published modifications).